The following is an entry in ClinVar:

ClinVar aggregate classification (germline): Conflicting classifications of pathogenicity. Review status: criteria provided, conflicting classifications (1 of 4 stars). 9 submissions from 9 submitters: Uncertain significance (8); Likely benign (1). Last evaluated 2026-01-10.

Conditions:
Hereditary cancer-predisposing syndrome. Also called: Tumor predisposition; Hereditary Cancer Syndrome; Hereditary neoplastic syndrome; Neoplastic Syndromes, Hereditary. Identifiers: Orphanet 140162, MedGen C0027672, MeSH D009386, MONDO:0015356.
Hereditary breast ovarian cancer syndrome. Also called: Breast and ovarian cancer; Hereditary breast and ovarian cancer syndrome; Hereditary breast and ovarian cancer; BRCA1- and BRCA2-Associated Hereditary Breast and Ovarian Cancer; Hereditary breast and ovarian cancer syndrome (HBOC); Hereditary breast and/or ovarian cancer syndrome. Identifiers: Orphanet 145, MedGen C0677776, MeSH D061325, MONDO:0003582. Disease mechanism: loss of function.
Breast-ovarian cancer, familial, susceptibility to, 2 (BROVCA2). Also called: BRCA2 Hereditary Breast and Ovarian Cancer. Identifiers: Orphanet 145, MedGen C2675520, MONDO:0012933, OMIM 612555. Disease mechanism: loss of function.

Allele frequency attached by ClinVar (database versions not stated): gnomAD 0.00001; gnomAD exomes 0.00001.
gnomAD v4.1: 19 of 1,610,652 alleles (0.0012%); highest among the groups gnomAD compares: Admixed American, 0.0017%; no homozygotes.

Submissions (9):

Labcorp Genetics (formerly Invitae), Labcorp
Classification: Uncertain significance for Hereditary breast ovarian cancer syndrome. Last evaluated: 2026-01-10. Review status: criteria provided, single submitter. Criteria: Invitae Variant Classification Sherloc (09022015). Collection method: clinical testing. Allele origin: germline.
Comment: This sequence change replaces isoleucine, which is neutral and non-polar, with threonine, which is neutral and polar, at codon 1244 of the BRCA2 protein (p.Ile1244Thr). This variant is present in population databases (rs730881526, gnomAD 0.002%). This missense change has been observed in individual(s) with breast cancer (PMID: 25682074). ClinVar contains an entry for this variant (Variation ID: 182203). Invitae Evidence Modeling of protein sequence and biophysical properties (such as structural, functional, and spatial information, amino acid conservation, physicochemical variation, residue mobility, and thermodynamic stability) indicates that this missense variant is not expected to disrupt BRCA2 protein function with a negative predictive value of 95%. In summary, the available evidence is currently insufficient to determine the role of this variant in disease. Therefore, it has been classified as a Variant of Uncertain Significance.

Ambry Genetics
Classification: Uncertain significance for Hereditary cancer-predisposing syndrome. Last evaluated: 2025-03-11. Review status: criteria provided, single submitter. Criteria: Ambry Variant Classification Scheme 2023. Collection method: clinical testing. Allele origin: germline.
Comment: The p.I1244T variant (also known as c.3731T>C), located in coding exon 10 of the BRCA2 gene, results from a T to C substitution at nucleotide position 3731. The isoleucine at codon 1244 is replaced by threonine, an amino acid with similar properties. This amino acid position is well conserved in available vertebrate species. In addition, the in silico prediction for this alteration is inconclusive. Since supporting evidence is limited at this time, the clinical significance of this alteration remains unclear.

Quest Diagnostics Nichols Institute San Juan Capistrano
Classification: Uncertain significance. Last evaluated: 2024-10-17. Review status: criteria provided, single submitter. Criteria: Quest Diagnostics criteria. Collection method: clinical testing. Allele origin: unknown.
Comment: The BRCA2 c.3731T>C (p.Ile1244Thr) variant has been reported in the published literature in an individual with breast cancer (PMIDs: 25682074 (2015) and 34572941 (2021)) and in reportedly healthy individuals (PMIDs: 33471991 (2021), 38566028 (2024); LOVD3 Shared). It has also been described to be located in a region of the BRCA2 gene that is tolerant to missense sequence changes (PMID: 31911673 (2020)), as well as being likely benign in a multifactorial likelihood study (PMID: 31131967 (2019)). The frequency of this variant in the general population, 0.0000081 (2/247518 chromosomes (Genome Aggregation Database)), is uninformative in the assessment of its pathogenicity. Analysis of this variant using bioinformatics tools for the prediction of the effect of amino acid changes on protein structure and function yielded predictions that this variant is benign. Based on the available information, we are unable to determine the clinical significance of this variant.

All of Us Research Program, National Institutes of Health
Classification: Uncertain significance for Breast-ovarian cancer, familial, susceptibility to, 2. Last evaluated: 2024-01-11. Review status: criteria provided, single submitter. Criteria: ACMG Guidelines, 2015. Collection method: clinical testing. Allele origin: germline. Inheritance: Autosomal dominant inheritance. Observed: 3 variant alleles, 3 heterozygotes.
Comment: This missense variant replaces isoleucine with threonine at codon 1244 of the BRCA2 protein. Computational prediction is inconclusive regarding the impact of this variant on protein structure and function (internally defined REVEL score threshold 0.5 < inconclusive < 0.7, PMID: 27666373). To our knowledge, functional studies have not been reported for this variant. This variant has been reported in an unaffected individual (PMID: 33471991; Leiden Open Variation Database DB-ID BRCA2_007347) and in a multifactorial analysis with co-occurrence and family history likelihood ratios for pathogenicity of 1.0757 and 0.2148, respectively (PMID: 31131967). This variant has been identified in 2/247518 chromosomes in the general population by the Genome Aggregation Database (gnomAD). The available evidence is insufficient to determine the role of this variant in disease conclusively. Therefore, this variant is classified as a Variant of Uncertain Significance.

This study involves interpretation of variants in research participants for the purpose of population health screening. Participant phenotype was not available at the time of variant classification. Additional details can be found in publication PMID: 35346344, PMCID: PMC8962531

Color Diagnostics, LLC DBA Color Health
Classification: Uncertain significance for Hereditary cancer-predisposing syndrome. Last evaluated: 2023-08-23. Review status: criteria provided, single submitter. Criteria: ACMG Guidelines, 2015. Collection method: clinical testing. Allele origin: germline.
Comment: This missense variant replaces isoleucine with threonine at codon 1244 of the BRCA2 protein. Computational prediction is inconclusive regarding the impact of this variant on protein structure and function (internally defined REVEL score threshold 0.5 < inconclusive < 0.7, PMID: 27666373). To our knowledge, functional studies have not been reported for this variant. This variant has been reported in an unaffected individual (PMID: 33471991; Leiden Open Variation Database DB-ID BRCA2_007347) and in a multifactorial analysis with co-occurrence and family history likelihood ratios for pathogenicity of 1.0757 and 0.2148, respectively (PMID: 31131967). This variant has been identified in 2/247518 chromosomes in the general population by the Genome Aggregation Database (gnomAD). The available evidence is insufficient to determine the role of this variant in disease conclusively. Therefore, this variant is classified as a Variant of Uncertain Significance.

GeneDx
Classification: Uncertain significance. Last evaluated: 2023-07-05. Review status: criteria provided, single submitter. Criteria: GeneDx Variant Classification Process June 2021. Collection method: clinical testing. Allele origin: germline. Affected: yes.
Comment: Not observed at significant frequency in large population cohorts (gnomAD); In silico analysis supports that this missense variant has a deleterious effect on protein structure/function; Also known as 3959T>C; Observed in at least one individual with triple negative breast cancer (Wong-Brown et al., 2015); This variant is associated with the following publications: (PMID: 16826315, 31911673, 31131967, 34572941, 31853058, 25682074, 32377563, 29884841)

University of Washington Department of Laboratory Medicine, University of Washington
Classification: Likely benign for Hereditary cancer-predisposing syndrome. Last evaluated: 2023-03-23. Review status: criteria provided, single submitter. Criteria: Dines et al. (Genet Med. 2020). Collection method: curation. Allele origin: germline.
Comment: Missense variant in a coldspot region where missense variants are very unlikely to be pathogenic (PMID:31911673).

BRCA2 exon 11 coldspot. Reclassification based on statistical prior probability.

Sema4
Classification: Uncertain significance for Hereditary cancer-predisposing syndrome. Last evaluated: 2021-12-14. Review status: criteria provided, single submitter. Criteria: Sema4 Curation Guidelines. Collection method: curation. Allele origin: germline.
Comment: The BRCA2 c.3731T>C (p.I1244T) variant has been reported in heterozygosity in at least three individuals with breast and/or ovarian cancer (PMID: 16826315, 25682074, 34572941). The ENIGMA research consortium reviewed available evidence and predicted that the variant is likely benign (PMID: 31131967). It was observed in 2/112404 chromosomes of the Non-Finnish European subpopulation in the large and broad cohorts of the Genome Aggregation Database (PMID: 32461654). The variant has been reported in ClinVar (Variation ID 182203). Functional studies have not been performed, and in silico predictions of the variant's effect on protein function are inconclusive. The evidence is insufficient to meet ACMG/AMP criteria for classifying the variant as benign or pathogenic. Thus, the clinical significance of this variant is currently uncertain.

Women's Health and Genetics/Laboratory Corporation of America, LabCorp
Classification: Uncertain significance. Last evaluated: 2017-05-30. Review status: criteria provided, single submitter. Criteria: LabCorp Variant Classification Summary - May 2015. Collection method: clinical testing. Allele origin: germline.
Comment: Variant summary: The BRCA2 c.3731T>C (p.Ile1244Thr) variant involves the alteration of a conserved nucleotide, resulting in a missense substitution in one of the BRCA2 repeat domains (InterPro). 3/4 in silico tools predict a damaging outcome for this variant. This variant is absent from the large control database ExAC (0/119920 control chromosomes), but is identified in gnomAD dataset (2/242492 chrs tested). The variant was identified in a breast cancer patient without strong evidence of pathogenicity (Wong-Brown_BRCA1&2_BCRT_2015). Two clinical diagnostic laboratories have classified this variant as one of uncertain significance. Taken together, this variant is classified as a VUS until additional information becomes available.

Literature cited by the submitters: PubMed 25682074 (cited by 5 submitters); PubMed 38153744 (cited by Quest Diagnostics Nichols Institute San Juan Capistrano); PubMed 31911673 (cited by Quest Diagnostics Nichols Institute San Juan Capistrano); PubMed 34572941 (cited by Quest Diagnostics Nichols Institute San Juan Capistrano and Sema4); PubMed 38566028 (cited by Quest Diagnostics Nichols Institute San Juan Capistrano); PubMed 33471991 (cited by 3 submitters); PubMed 31131967 (cited by 4 submitters); PubMed 16826315 (cited by Sema4).

NM_000059.4(BRCA2):c.3731T>C (p.Ile1244Thr)

Gene: BRCA2 (BRCA2 DNA repair associated; plus strand). Cytogenetic location: 13q13.1.
Variant type: single nucleotide variant.
Coding change: c.3731T>C on transcript NM_000059.4 (MANE Select); coding-DNA position 3731, T replaced by C.
Protein change: p.Ile1244Thr; replaces isoleucine 1244 with threonine.
Molecular consequence: missense variant.
Genome position (GRCh38, 1-based): chr13:32,338,086, T>C. VCF-style: chr13-32338086-T-C. GRCh37 (hg19) VCF-style: chr13-32912223-T-C.
Other names: p.I1244T:ATT>ACT; short protein forms I1244T.
Identifiers: ClinVar variation 182203 (VCV000182203.39), dbSNP rs730881526, ClinGen allele CA018674.
Genomic context (GRCh38, chr13:32,338,086, plus strand): 5'-GCACAAAACTGAATGTTTCTACTGAAGCTCTGCAAAAAGCTGTGAAACTGTTTAGTGATA[T>C]TGAGAATATTAGTGAGGAAACTTCTGCAGAGGTACATCCAATAAGTTTATCTTCAAGTAA-3'
Protein context (NP_000050.3, residues 1234-1254): LQKAVKLFSD[Ile1244Thr]ENISEETSAE